The following is an entry in ClinVar:

ClinVar aggregate classification (germline): Likely pathogenic (1 of 4 stars; one submission).

Conditions:
Luscan-Lumish syndrome. Identifiers: Orphanet 597738, MedGen C4085873, MONDO:0014791, OMIM 616831.

Submission:

Victorian Clinical Genetics Services, Murdoch Childrens Research Institute
Classification: Likely pathogenic for Luscan-Lumish syndrome. Last evaluated: 2025-01-15. Review status: criteria provided, single submitter. Criteria: ACMG Guidelines, 2015. Collection method: clinical testing. Allele origin: germline. Affected: yes.
Comment: This variant is classified as Likely pathogenic. Evidence in support of pathogenic classification: Canonical splice site variant without proven consequence on splicing (no functional evidence available); Variant is absent from gnomAD (v2, v3 and v4); Abnormal splicing is predicted by in silico tool(s) and affected nucleotide is highly conserved. Additional information: This variant is heterozygous; This gene is associated with autosomal dominant disease. Luscan-Lumish syndrome has been associated with a wide mutational spectrum; while Rabin-Pappas syndrome and intellectual developmental disorder have been reported as being associated with only two variants, p.(Arg1740Trp) and p.(Arg1740Gln); This variant has no previous evidence of pathogenicity; No published segregation evidence has been identified for this variant; No published functional evidence has been identified for this variant; No comparable splice variants have previous evidence for pathogenicity; Loss of function is a known mechanism of disease in this gene and is associated with Luscan-Lumish syndrome (MIM#616831, PMID: 27528607). However, the mechanisms for Rabin-Pappas syndrome (MIM#620155) and intellectual developmental disorder (MIM#620157) are currently unknown; Variants in this gene are known to have variable expressivity. The degree of intellectual disability and speech delay shows variability and cases have presented with and without obesity and overgrowth (PMID: 29681085); Inheritance information for this variant is not currently available in this individual.

Literature cited by the submitters: PubMed 27528607; PubMed 29681085.

NM_014159.7(SETD2):c.5142+2T>G

Gene: SETD2 (SET domain containing 2, histone lysine methyltransferase; minus strand). Cytogenetic location: 3p21.31.
Variant type: single nucleotide variant.
Coding change: c.5142+2T>G on transcript NM_014159.7 (MANE Select); the canonical splice donor site of the intron after coding-DNA position 5142, T replaced by G.
Molecular consequence: splice donor variant.
Genome position (GRCh38, 1-based): chr3:47,097,953, A>C on the plus strand (T>G on the coding strand, the complement: SETD2 is on the minus strand). VCF-style: chr3-47097953-A-C. GRCh37 (hg19) VCF-style: chr3-47139443-A-C.
Other names: c.5010+2T>G (NM_001349370.3).
Identifiers: ClinVar variation 4531896 (VCV004531896.1).